The following is an entry in ClinVar:

ClinVar aggregate classification (germline): not provided (0 of 4 stars; one submission).

Allele frequency attached by ClinVar (database versions not stated): gnomAD exomes 0.00022 and 0.00042; ExAC 0.00125; gnomAD 0.00160 and 0.00165; TOPMed 0.00198; 1000 Genomes Project 30x 0.00344; 1000 Genomes Project 0.00359.

Submission:

ITMI
No classification provided. Condition: AllHighlyPenetrant. Last evaluated: 2013-09-19. Review status: no classification provided. Collection method: reference population. Allele origin: germline.
Comment: Please see associated publication for description of ethnicities

Literature cited by the submitters: PubMed 24728327.

NM_003820.4(TNFRSF14):c.552-165del

Gene: TNFRSF14 (TNF receptor superfamily member 14; plus strand). Cytogenetic location: 1p36.32.
Variant type: Deletion.
Coding change: c.552-165del on transcript NM_003820.4 (MANE Select); 165 bases into the intron before coding-DNA position 552, one base deleted (G; older notation c.552-165delG).
Molecular consequence: intron variant.
Genome position (GRCh38, 1-based): chr1:2,561,508, G deleted. VCF-style (leftmost placement, unchanged base first): chr1-2561507-AG-A. GRCh37 (hg19) VCF-style: chr1-2492946-AG-A.
Other names: c.551+794del (NM_001297605.2).
Identifiers: ClinVar variation 133416 (VCV000133416.1), dbSNP rs149579135, ClinGen allele CA156508.